The following is an entry in ClinVar:

NM_005267.5(GJA8):c.238C>A (p.Leu80Met)

Gene: GJA8 (gap junction protein alpha 8; plus strand). Cytogenetic location: 1q21.2.
Variant type: single nucleotide variant.
Coding change: c.238C>A on transcript NM_005267.5 (MANE Select); coding-DNA position 238, C replaced by A.
Protein change: p.Leu80Met; replaces leucine 80 with methionine.
Molecular consequence: missense variant.
Genome position (GRCh38, 1-based): chr1:147,908,193, C>A. VCF-style: chr1-147908193-C-A. GRCh37 (hg19) VCF-style: chr1-147380320-C-A.
Other names: short protein forms L80M.
Identifiers: ClinVar variation 4840569 (VCV004840569.1).
Genomic context (GRCh38, chr1:147,908,193, plus strand): 5'-GGCTGCGAGAACGTCTGCTACGACGAGGCCTTTCCCATCTCCCACATTCGCCTCTGGGTG[C>A]TGCAGATCATCTTCGTCTCCACCCCGTCCCTGATGTACGTGGGGCACGCGGTGCACTACG-3'
Protein context (NP_005258.2, residues 70-90): FPISHIRLWV[Leu80Met]QIIFVSTPSL

ClinVar aggregate classification (germline): Likely pathogenic (1 of 4 stars; one submission).

Conditions:
Inborn genetic diseases. Identifiers: MedGen C0950123, MeSH D030342.

Submission:

Ambry Genetics
Classification: Likely pathogenic for Inborn genetic diseases. Last evaluated: 2026-03-04. Review status: criteria provided, single submitter. Criteria: Ambry Variant Classification Scheme 2023. Collection method: clinical testing. Allele origin: germline.
Comment: The c.238C>A (p.L80M) alteration is located in exon 2 (coding exon 1) of the GJA8 gene. This alteration results from a C to A substitution at nucleotide position 238, causing the leucine (L) at amino acid position 80 to be replaced by a methionine (M). This variant was not reported in population-based cohorts in the Genome Aggregation Database (gnomAD). This amino acid position is highly conserved in available vertebrate species. This alteration is predicted to be deleterious by in silico analysis. Based on the available evidence, this alteration is classified as likely pathogenic.